The following is an entry in ClinVar:

ClinVar aggregate classification (germline): Uncertain significance (1 of 4 stars; one submission).

Submission:

Women's Health and Genetics/Laboratory Corporation of America, LabCorp
Classification: Uncertain significance. Last evaluated: 2026-06-23. Review status: criteria provided, single submitter. Criteria: LabCorp Variant Classification Summary - May 2015. Collection method: clinical testing. Allele origin: germline.
Comment: Variant summary: FBN1 c.5351A>T (p.Asn1784Ile) results in a non-conservative amino acid change in the encoded protein sequence. Algorithms developed to predict the effect of missense changes on protein structure and function all suggest that this variant is likely to be disruptive. The variant was absent in 251168 control chromosomes. The available data on variant occurrences in the general population are insufficient to allow any conclusion about variant significance. To our knowledge, no occurrence of c.5351A>T in individuals affected with FBN1-related conditions and no experimental evidence demonstrating its impact on protein function have been reported. ClinVar contains an entry for this variant (Variation ID: 3907154). Based on the evidence outlined above, the variant was classified as uncertain significance.

NM_000138.5(FBN1):c.5351A>T (p.Asn1784Ile)

Gene: FBN1 (fibrillin 1; minus strand). Cytogenetic location: 15q21.1.
Variant type: single nucleotide variant.
Coding change: c.5351A>T on transcript NM_000138.5 (MANE Select); coding-DNA position 5351, A replaced by T.
Protein change: p.Asn1784Ile; replaces asparagine 1784 with isoleucine.
Molecular consequence: missense variant.
Genome position (GRCh38, 1-based): chr15:48,456,708, T>A on the plus strand (A>T on the coding strand, the complement: FBN1 is on the minus strand). VCF-style: chr15-48456708-T-A. GRCh37 (hg19) VCF-style: chr15-48748905-T-A.
Other names: c.5351A>T, p.Asn1784Ile (NM_001406716.1); short protein forms N1784I.
Identifiers: ClinVar variation 3907154 (VCV003907154.2).